The following is an entry in ClinVar:

ClinVar aggregate classification (germline): Pathogenic/Likely pathogenic. Review status: criteria provided, multiple submitters, no conflicts (2 of 4 stars). 3 submissions from 3 submitters: Pathogenic (1); Likely pathogenic (1). 1 of the submissions does not count toward it. Last evaluated 2021-10-24.

Conditions:
Pheochromocytoma/paraganglioma syndrome 4. Also called: Paragangliomas 4; CAROTID BODY TUMORS AND MULTIPLE EXTRAADRENAL PHEOCHROMOCYTOMAS; SDHB-Related Hereditary Paraganglioma-Pheochromocytoma Syndrome (Paragangliomas 4); PARAGANGLIOMA, FAMILIAL MALIGNANT; PARAGANGLIOMAS, HEREDITARY EXTRAADRENAL; PHEOCHROMOCYTOMA, FAMILIAL EXTRAADRENAL. Identifiers: Orphanet 29072, MedGen C1861848, MONDO:0007273, OMIM 115310.
Gastrointestinal stromal tumor. Also called: Gastrointestinal stromal tumor, somatic; Gastrointestinal stroma tumor. Identifiers: Orphanet 44890, MedGen C0238198, MeSH D046152, MONDO:0011719, OMIM 606764, HP:0100723.
Pheochromocytoma. Also called: MAX-Related Hereditary Paraganglioma-Pheochromocytoma Syndrome. Identifiers: Orphanet 29072, MedGen C0031511, MONDO:0008233, OMIM 171300, HP:0002666.
Hereditary cancer-predisposing syndrome. Also called: Neoplastic Syndromes, Hereditary; Tumor predisposition; Hereditary neoplastic syndrome; Hereditary Cancer Syndrome. Identifiers: Orphanet 140162, MedGen C0027672, MeSH D009386, MONDO:0015356.

Submissions (3):

Labcorp Genetics (formerly Invitae), Labcorp
Classification: Pathogenic for Gastrointestinal stromal tumor; Pheochromocytoma/paraganglioma syndrome 4; Pheochromocytoma. Last evaluated: 2021-10-24. Review status: criteria provided, single submitter. Criteria: Invitae Variant Classification Sherloc (09022015). Collection method: clinical testing. Allele origin: germline.
Comment: For these reasons, this variant has been classified as Pathogenic. Advanced modeling of protein sequence and biophysical properties (such as structural, functional, and spatial information, amino acid conservation, physicochemical variation, residue mobility, and thermodynamic stability) performed at Invitae indicates that this missense variant is expected to disrupt SDHB protein function. ClinVar contains an entry for this variant (Variation ID: 12787). This variant has been observed in individuals with clinical features of SDHB-related conditions (PMID: 14715873, 31492822). It has also been observed to segregate with disease in related individuals. This variant is not present in population databases (ExAC no frequency). This sequence change replaces histidine with proline at codon 132 of the SDHB protein (p.His132Pro). The histidine residue is highly conserved and there is a moderate physicochemical difference between histidine and proline.

Ambry Genetics
Classification: Likely pathogenic for Hereditary cancer-predisposing syndrome. Last evaluated: 2020-11-30. Review status: criteria provided, single submitter. Criteria: Ambry Variant Classification Scheme 2023. Collection method: clinical testing. Allele origin: germline.
Comment: The p.H132P variant (also known as c.395A>C), located in coding exon 4 of the SDHB gene, results from an A to C substitution at nucleotide position 395. The histidine at codon 132 is replaced by proline, an amino acid with similar properties. This amino acid position is highly conserved in available vertebrate species. In addition, this alteration is predicted to be deleterious by in silico analysis. Based on the majority of available evidence to date, this variant is likely to be pathogenic.

OMIM
Classification: Pathogenic for PHEOCHROMOCYTOMA/PARAGANGLIOMA SYNDROME 4. Last evaluated: 2004-01-01. Review status: no assertion criteria provided. Collection method: literature only. Allele origin: germline. Not counted in ClinVar's aggregate classification.

Literature cited by the submitters: PubMed 14715873 (cited by 3 submitters); PubMed 31492822 (cited by Labcorp Genetics (formerly Invitae), Labcorp); PubMed 20702724 (cited by Ambry Genetics).

NM_003000.3(SDHB):c.395A>C (p.His132Pro)

Gene: SDHB (succinate dehydrogenase complex iron sulfur subunit B; minus strand). Cytogenetic location: 1p36.13.
Variant type: single nucleotide variant.
Coding change: c.395A>C on transcript NM_003000.3 (MANE Select); coding-DNA position 395, A replaced by C.
Protein change: p.His132Pro; replaces histidine 132 with proline.
Molecular consequence: missense variant.
Genome position (GRCh38, 1-based): chr1:17,028,628, T>G on the plus strand (A>C on the coding strand, the complement: SDHB is on the minus strand). VCF-style: chr1-17028628-T-G. GRCh37 (hg19) VCF-style: chr1-17355123-T-G.
Other names: short protein forms H132P.
Identifiers: ClinVar variation 12787 (VCV000012787.15), dbSNP rs74315372, ClinGen allele CA015817.
Genomic context (GRCh38, chr1:17,028,628, plus strand): 5'-AAAAACAAAACCAGAGAGATGCAGAAACTCACGGGAACAAGATCCTTTATCACATACATG[T>G]GTGGAAGAGGGTAGATTTTTGAGACCTTATTGAGGTTGGTGTCAATCCTTCGGGTGCAAG-3'
Protein context (NP_002991.2, residues 122-142): NKVSKIYPLP[His132Pro]MYVIKDLVPD